The following is an entry in ClinVar:

NM_024596.5(MCPH1):c.1970C>G (p.Ser657Cys)

Gene: MCPH1 (microcephalin 1; plus strand). Cytogenetic location: 8p23.1.
Variant type: single nucleotide variant.
Coding change: c.1970C>G on transcript NM_024596.5 (MANE Select); coding-DNA position 1970, C replaced by G.
Protein change: p.Ser657Cys; replaces serine 657 with cysteine.
Molecular consequence: missense variant. On other transcripts: intron variant (1).
Genome position (GRCh38, 1-based): chr8:6,477,628, C>G. VCF-style: chr8-6477628-C-G. GRCh37 (hg19) VCF-style: chr8-6335149-C-G.
Other names: c.1970C>G, p.Ser657Cys (NM_001322042.2, NM_001363979.1, NM_001410916.1 and 1 more transcripts); c.1935+22376C>G (NM_001363980.2); short protein forms S657C.
Identifiers: ClinVar variation 5039301 (VCV005039301.1).
Genomic context (GRCh38, chr8:6,477,628, plus strand): 5'-TGTTCCTTCTTGTTTGAAATCTCTAGCCAACAAGAACATTAGTCATGACAAGCATGCCAT[C>G]TGAGTAAGTACTTGTTTTGATTTCTGTTCAATGTAAAATGTTAACCTTTTCTCTCTTATA-3'
Protein context (NP_078872.3, residues 647-667): TRTLVMTSMP[Ser657Cys]EKQNVVIQVV

ClinVar aggregate classification (germline): Uncertain significance (1 of 4 stars; one submission).

gnomAD v4.1: 1 of 1,612,220 alleles (0.000062%); highest among the groups gnomAD compares: Non-Finnish European, 0.000085%; no homozygotes.

Submission:

CeGaT Center for Human Genetics Tuebingen
Classification: Uncertain significance. Last evaluated: 2026-08-01. Review status: criteria provided, single submitter. Criteria: CeGaT Center For Human Genetics Tuebingen Variant Classification Criteria Version 2. Collection method: clinical testing. Allele origin: germline. Affected: yes. Observed: 1 variant allele.
Comment: MCPH1: PM2, PP3